The following is an entry in ClinVar:

NM_000287.4(PEX6):c.2905C>T (p.Arg969Trp)

Gene: PEX6 (peroxisomal biogenesis factor 6; minus strand). Cytogenetic location: 6p21.1.
Variant type: single nucleotide variant.
Coding change: c.2905C>T on transcript NM_000287.4 (MANE Select); coding-DNA position 2905, C replaced by T.
Protein change: p.Arg969Trp; replaces arginine 969 with tryptophan.
Molecular consequence: missense variant. On other transcripts: non-coding transcript variant (1).
Genome position (GRCh38, 1-based): chr6:42,964,373, G>A on the plus strand (C>T on the coding strand, the complement: PEX6 is on the minus strand). VCF-style: chr6-42964373-G-A. GRCh37 (hg19) VCF-style: chr6-42932111-G-A.
Other names: c.2641C>T, p.Arg881Trp (NM_001316313.2); short protein forms R881W, R969W.
Identifiers: ClinVar variation 2079063 (VCV002079063.2), dbSNP rs377694181, ClinGen allele CA3810870.
Genomic context (GRCh38, chr6:42,964,373, plus strand): 5'-GGTCCCAGACCCTGGGGGGCTCCTAGCAGGCAGCAAACTTGCGCTGGATGCGCTTGTACC[G>A]GAGCAGCTCCTGCTCACTGACTGAGGGTTGCAGCCGGGCGGCAGCCTGCAGCAAGTCCTC-3'
Protein context (NP_000278.3, residues 959-979): QPSVSEQELL[Arg969Trp]YKRIQRKFAA

ClinVar aggregate classification (germline): Uncertain significance. Review status: criteria provided, multiple submitters, no conflicts (2 of 4 stars). 2 submissions from 2 submitters: Uncertain significance (2). Last evaluated 2024-09-16.

Conditions:
Peroxisome biogenesis disorder. Identifiers: Orphanet 79189, MedGen C1832200, MONDO:0019234. Disease mechanism: loss of function.

Allele frequency attached by ClinVar (database versions not stated): gnomAD exomes 0.00003; TOPMed 0.00003; ExAC 0.00004; gnomAD 0.00004; ESP Exome Variant Server 0.00008.
gnomAD v4.1: 52 of 1,613,744 alleles (0.0032%); highest among the groups gnomAD compares: Non-Finnish European, 0.0043%; no homozygotes.

Submissions (2):

Blueprint Genetics
Classification: Uncertain significance. Last evaluated: 2024-09-16. Review status: criteria provided, single submitter. Criteria: ACMG Guidelines, 2015. Collection method: clinical testing. Allele origin: germline.

Labcorp Genetics (formerly Invitae), Labcorp
Classification: Uncertain significance for Peroxisome biogenesis disorder. Last evaluated: 2022-10-31. Review status: criteria provided, single submitter. Criteria: Invitae Variant Classification Sherloc (09022015). Collection method: clinical testing. Allele origin: germline.
Comment: This sequence change replaces arginine, which is basic and polar, with tryptophan, which is neutral and slightly polar, at codon 969 of the PEX6 protein (p.Arg969Trp). This variant is present in population databases (rs377694181, gnomAD 0.006%). This variant has not been reported in the literature in individuals affected with PEX6-related conditions. Advanced modeling of protein sequence and biophysical properties (such as structural, functional, and spatial information, amino acid conservation, physicochemical variation, residue mobility, and thermodynamic stability) has been performed at Invitae for this missense variant, however the output from this modeling did not meet the statistical confidence thresholds required to predict the impact of this variant on PEX6 protein function. In summary, the available evidence is currently insufficient to determine the role of this variant in disease. Therefore, it has been classified as a Variant of Uncertain Significance.